The following is an entry in ClinVar:

NM_000077.5(CDKN2A):c.274G>C (p.Asp92His)

Gene: CDKN2A (cyclin dependent kinase inhibitor 2A; minus strand). Cytogenetic location: 9p21.3.
Variant type: single nucleotide variant.
Coding change: c.274G>C on transcript NM_000077.5; coding-DNA position 274, G replaced by C.
Protein change: p.Asp92His; replaces aspartic acid 92 with histidine.
Molecular consequence: missense variant (on NM_000077.6). On other transcripts: 3 prime UTR variant (1).
Genome position (GRCh38, 1-based): chr9:21,971,085, C>G on the plus strand (G>C on the coding strand, the complement: CDKN2A is on the minus strand). VCF-style: chr9-21971085-C-G. GRCh37 (hg19) VCF-style: chr9-21971084-C-G.
Other names: c.274G>C, p.Asp92His (NM_000077.6, NM_001195132.2); c.121G>C, p.Asp41His (NM_001363763.2); c.317G>C, p.Gly106Ala (NM_058195.4); c.*197G>C (NM_058197.5); short protein forms D41H, D92H, G106A.
Identifiers: ClinVar variation 2030149 (VCV002030149.4), dbSNP rs1819704439, ClinGen allele CA373086174.
Genomic context (GRCh38, chr9:21,971,085, plus strand): 5'-GGCCCCAGGCATCGCGCACGTCCAGCCGCGCCCCGGCCCGGTGCAGCACCACCAGCGTGT[C>G]CAGGAAGCCCTCCCGGGCAGCGTCGTGCACGGGTCGGGTGAGAGTGGCGGGGTCGGCGCA-3'
Protein context (NP_000068.1, residues 82-102): VHDAAREGFL[Asp92His]TLVVLHRAGA

ClinVar aggregate classification (germline): Uncertain significance (1 of 4 stars; one submission).

Conditions:
Familial melanoma. Also called: Hereditary melanoma; Hereditary cutaneous melanoma. Identifiers: Orphanet 618, MedGen C1512419, MONDO:0018961.

Submission:

Labcorp Genetics (formerly Invitae), Labcorp
Classification: Uncertain significance for Familial melanoma. Last evaluated: 2022-09-13. Review status: criteria provided, single submitter. Criteria: Invitae Variant Classification Sherloc (09022015). Collection method: clinical testing. Allele origin: germline.
Comment: In summary, the available evidence is currently insufficient to determine the role of this variant in disease. Therefore, it has been classified as a Variant of Uncertain Significance. Algorithms developed to predict the effect of missense changes on protein structure and function (SIFT, PolyPhen-2, Align-GVGD) all suggest that this variant is likely to be disruptive. This variant is also known as c.317G>C (p.Gly106Ala) in the CDKN2A (p14ARF) transcript. This variant has not been reported in the literature in individuals affected with CDKN2A (p16INK4a)-related conditions. This variant is not present in population databases (gnomAD no frequency). This sequence change replaces aspartic acid, which is acidic and polar, with histidine, which is basic and polar, at codon 92 of the CDKN2A (p16INK4a) protein (p.Asp92His). The CDKN2A gene encodes two different proteins, p16INK4a and p14ARF, which are translated from alternative transcripts with different open reading frames. Both transcripts have been analyzed. We report either the variant with the higher classification or default to the CDKN2A (p16INK4a) variant. This report therefore includes the details for the CDKN2A (p16INK4a) variant.